The following is an entry in ClinVar:

ClinVar aggregate classification (germline): Benign (0 of 4 stars; one submission).

Conditions:
LRCH3-related disorder. Also called: LRCH3-related condition.

Allele frequency attached by ClinVar (database versions not stated): ExAC 0.10086; 1000 Genomes Project 0.10104; 1000 Genomes Project 30x 0.10415; gnomAD exomes 0.10581; TOPMed 0.10734; gnomAD 0.10918; ESP Exome Variant Server 0.11733.
gnomAD v4.1: 171,017 of 1,611,702 alleles (11%); highest among the groups gnomAD compares: African/African-American, 13%; 9,738 homozygotes.

Submission:

PreventionGenetics, part of Exact Sciences
Classification: Benign for LRCH3-related condition. Last evaluated: 2019-10-21. Review status: no assertion criteria provided. Collection method: clinical testing. Allele origin: germline.
Comment: This variant is classified as benign based on ACMG/AMP sequence variant interpretation guidelines (Richards et al. 2015 PMID: 25741868, with internal and published modifications).

NM_001365715.1(LRCH3):c.1887C>T (p.Pro629=)

Gene: LRCH3 (leucine rich repeats and calponin homology domain containing 3; plus strand). Cytogenetic location: 3q29.
Variant type: single nucleotide variant.
Coding change: c.1887C>T on transcript NM_001365715.1 (MANE Select); coding-DNA position 1887, C replaced by T.
Protein change: p.Pro629=; no amino-acid change (proline 629 retained).
Molecular consequence: synonymous variant. On other transcripts: non-coding transcript variant (1).
Genome position (GRCh38, 1-based): chr3:197,870,173, C>T. VCF-style: chr3-197870173-C-T. GRCh37 (hg19) VCF-style: chr3-197597044-C-T.
Other names: c.1887C>T, p.Pro629= (NM_001363887.1, NM_032773.4); c.1779C>T, p.Pro593= (NM_001365716.1, NM_001365718.1); c.1815C>T, p.Pro605= (NM_001365717.1).
Identifiers: ClinVar variation 3056465 (VCV003056465.2), dbSNP rs77281724, ClinGen allele CA2788566.